The following is an entry in ClinVar:

NM_002529.4(NTRK1):c.718-15T>C

Gene: NTRK1 (neurotrophic receptor tyrosine kinase 1; plus strand). Cytogenetic location: 1q23.1.
Variant type: single nucleotide variant.
Coding change: c.718-15T>C on transcript NM_002529.4 (MANE Select); 15 bases into the intron before coding-DNA position 718, T replaced by C.
Molecular consequence: intron variant.
Genome position (GRCh38, 1-based): chr1:156,871,608, T>C. VCF-style: chr1-156871608-T-C. GRCh37 (hg19) VCF-style: chr1-156841400-T-C.
Other names: c.628-15T>C (NM_001007792.1); c.718-15T>C (NM_001012331.2).
Identifiers: ClinVar variation 514495 (VCV000514495.9), dbSNP rs778745696, ClinGen allele CA1169084.
Genomic context (GRCh38, chr1:156,871,608, plus strand): 5'-CTCTCCAAAGACTTCAGCCCCAGCCCCAAGCTGGCTAAAGCTCCTTCTTATTCCCCCCTC[T>C]CTTTCCTGATCTAGAAATCTGGGGGTCTGCCATCCCTGGGGCTGACCCTGGCCAATGTCA-3'

ClinVar aggregate classification (germline): Likely benign. Review status: criteria provided, multiple submitters, no conflicts (2 of 4 stars). 3 submissions from 3 submitters: Likely benign (3). Last evaluated 2025-06-22.

Conditions:
Hereditary insensitivity to pain with anhidrosis (CIPA). Also called: INSENSITIVITY TO PAIN, CONGENITAL, WITH ANHIDROSIS; NEUROPATHY, CONGENITAL SENSORY, WITH ANHIDROSIS; NTRK1 Congenital Insensitivity to Pain with Anhidrosis; hereditary sensory and autonomic neuropathy type 4; FAMILIAL DYSAUTONOMIA, TYPE II; HSAN Type IV. Identifiers: Orphanet 642, MedGen C0020074, MONDO:0009746, OMIM 256800.

Allele frequency attached by ClinVar (database versions not stated): gnomAD 0.00001; TOPMed 0.00002; gnomAD exomes 0.00004 and 0.00010; ExAC 0.00006.
gnomAD v4.1: 59 of 1,613,644 alleles (0.0037%); highest among the groups gnomAD compares: East Asian, 0.13%; no homozygotes.

Submissions (3):

Labcorp Genetics (formerly Invitae), Labcorp
Classification: Likely benign for Hereditary insensitivity to pain with anhidrosis. Last evaluated: 2025-06-22. Review status: criteria provided, single submitter. Criteria: Invitae Variant Classification Sherloc (09022015). Collection method: clinical testing. Allele origin: germline.

Genome-Nilou Lab
Classification: Likely benign for Hereditary insensitivity to pain with anhidrosis. Last evaluated: 2023-04-11. Review status: criteria provided, single submitter. Criteria: ACMG Guidelines, 2015. Collection method: clinical testing. Allele origin: germline. Affected: no.

GeneDx
Classification: Likely benign. Last evaluated: 2018-01-08. Review status: criteria provided, single submitter. Criteria: GeneDx Variant Classification (06012015). Collection method: clinical testing. Allele origin: germline. Affected: yes.
Comment: This variant is considered likely benign or benign based on one or more of the following criteria: it is a conservative change, it occurs at a poorly conserved position in the protein, it is predicted to be benign by multiple in silico algorithms, and/or has population frequency not consistent with disease.